The following is an entry in ClinVar:

ClinVar aggregate classification (germline): Uncertain significance (1 of 4 stars; one submission).

Conditions:
Marfan syndrome (MFS). Also called: MARFAN SYNDROME, TYPE I; Marfan syndrome type 1; Marfan's syndrome; Marfan syndrome, classic; FBN1-Related Marfan Syndrome. Identifiers: Orphanet 284963, Orphanet 558, MedGen C0024796, MONDO:0007947, OMIM 154700.
Familial thoracic aortic aneurysm and aortic dissection (TAAD). Also called: Thoracic aortic aneurysms and dissections. Identifiers: Orphanet 91387, MedGen C4707243, MONDO:0019625.

Allele frequency attached by ClinVar (database versions not stated): gnomAD exomes below 0.00001.
gnomAD v4.1: 1 of 1,614,004 alleles (0.000062%); highest among the groups gnomAD compares: Non-Finnish European, 0.000085%; no homozygotes.

Submission:

Labcorp Genetics (formerly Invitae), Labcorp
Classification: Uncertain significance for Marfan syndrome; Familial thoracic aortic aneurysm and aortic dissection. Last evaluated: 2023-02-04. Review status: criteria provided, single submitter. Criteria: Invitae Variant Classification Sherloc (09022015). Collection method: clinical testing. Allele origin: germline.
Comment: This variant is not present in population databases (gnomAD no frequency). This sequence change replaces glycine, which is neutral and non-polar, with arginine, which is basic and polar, at codon 174 of the FBN1 protein (p.Gly174Arg). This missense change has been observed in individual(s) with clinical features of FBN1-related conditions (Invitae). Advanced modeling of protein sequence and biophysical properties (such as structural, functional, and spatial information, amino acid conservation, physicochemical variation, residue mobility, and thermodynamic stability) performed at Invitae indicates that this missense variant is expected to disrupt FBN1 protein function. In summary, the available evidence is currently insufficient to determine the role of this variant in disease. Therefore, it has been classified as a Variant of Uncertain Significance.

NM_000138.5(FBN1):c.520G>A (p.Gly174Arg)

Gene: FBN1 (fibrillin 1; minus strand). Cytogenetic location: 15q21.1.
Variant type: single nucleotide variant.
Coding change: c.520G>A on transcript NM_000138.5 (MANE Select); coding-DNA position 520, G replaced by A.
Protein change: p.Gly174Arg; replaces glycine 174 with arginine.
Molecular consequence: missense variant.
Genome position (GRCh38, 1-based): chr15:48,596,301, C>T on the plus strand (G>A on the coding strand, the complement: FBN1 is on the minus strand). VCF-style: chr15-48596301-C-T. GRCh37 (hg19) VCF-style: chr15-48888498-C-T.
Other names: c.520G>A, p.Gly174Arg (NM_001406716.1, NM_001406717.1); short protein forms G174R.
Identifiers: ClinVar variation 2922482 (VCV002922482.3), dbSNP rs2505754709, ClinGen allele CA392446260.
Genomic context (GRCh38, chr15:48,596,301, plus strand): 5'-GTACCAGCATGTCTTTACGTAAATGATTTTAAAAACCATTACCTCTTTCACACTGGGGTC[C>T]AGTAAATCCGTAAGTGCATGCACATCGATTTGGGGCCACACACCTTCCTCCATTGAGACA-3'
Protein context (NP_000129.3, residues 164-184): NRCACTYGFT[Gly174Arg]PQCERDYRTG